The following is an entry in ClinVar:

NM_005458.8(GABBR2):c.2554G>C (p.Ala852Pro)

Gene: GABBR2 (gamma-aminobutyric acid type B receptor subunit 2; minus strand). Cytogenetic location: 9q22.33.
Variant type: single nucleotide variant.
Coding change: c.2554G>C on transcript NM_005458.8 (MANE Select); coding-DNA position 2554, G replaced by C.
Protein change: p.Ala852Pro; replaces alanine 852 with proline.
Molecular consequence: missense variant.
Genome position (GRCh38, 1-based): chr9:98,293,891, C>G on the plus strand (G>C on the coding strand, the complement: GABBR2 is on the minus strand). VCF-style: chr9-98293891-C-G. GRCh37 (hg19) VCF-style: chr9-101056173-C-G.
Other names: short protein forms A852P.
Identifiers: ClinVar variation 2092393 (VCV002092393.4), dbSNP rs1051260334, ClinGen allele CA374210207.

ClinVar aggregate classification (germline): Uncertain significance (1 of 4 stars; one submission).

Conditions:
Epileptic encephalopathy. Identifiers: MedGen C0543888, HP:0200134.

gnomAD v4.1: 1 of 1,601,462 alleles (0.000062%); highest among the groups gnomAD compares: Admixed American, 0.0017%; no homozygotes.

Submission:

Labcorp Genetics (formerly Invitae), Labcorp
Classification: Uncertain significance for Epileptic encephalopathy. Last evaluated: 2022-02-15. Review status: criteria provided, single submitter. Criteria: Invitae Variant Classification Sherloc (09022015). Collection method: clinical testing. Allele origin: germline.
Comment: In summary, the available evidence is currently insufficient to determine the role of this variant in disease. Therefore, it has been classified as a Variant of Uncertain Significance. Algorithms developed to predict the effect of missense changes on protein structure and function are either unavailable or do not agree on the potential impact of this missense change (SIFT: "Deleterious"; PolyPhen-2: "Benign"; Align-GVGD: "Class C0"). This variant has not been reported in the literature in individuals affected with GABBR2-related conditions. This variant is not present in population databases (gnomAD no frequency). This sequence change replaces alanine, which is neutral and non-polar, with proline, which is neutral and non-polar, at codon 852 of the GABBR2 protein (p.Ala852Pro).